The following is an entry in ClinVar:

NM_001379270.1(CNGA1):c.1991C>T (p.Pro664Leu)

Genes: CNGA1 (cyclic nucleotide gated channel subunit alpha 1; minus strand), LOC101927157 (uncharacterized LOC101927157; plus strand). Cytogenetic location: 4p12.
Variant type: single nucleotide variant.
Coding change: c.1991C>T on transcript NM_001379270.1 (MANE Select); coding-DNA position 1991, C replaced by T.
Protein change: p.Pro664Leu; replaces proline 664 with leucine.
Molecular consequence: missense variant.
Genome position (GRCh38, 1-based): chr4:47,936,491, G>A on the plus strand (C>T on the coding strand, the complement: CNGA1 is on the minus strand). VCF-style: chr4-47936491-G-A. GRCh37 (hg19) VCF-style: chr4-47938508-G-A.
Other names: c.1991C>T, p.Pro664Leu (NM_000087.5, NM_001142564.2); short protein forms P664L.
Identifiers: ClinVar variation 841711 (VCV000841711.12), dbSNP rs757837096, ClinGen allele CA2910977.

ClinVar aggregate classification (germline): Uncertain significance. Review status: criteria provided, multiple submitters, no conflicts (2 of 4 stars). 2 submissions from 2 submitters: Uncertain significance (2). Last evaluated 2025-10-21.

Conditions:
Inborn genetic diseases. Identifiers: MedGen C0950123, MeSH D030342.

Allele frequency attached by ClinVar (database versions not stated): gnomAD 0.00004; TOPMed 0.00005.
gnomAD v4.1: 19 of 1,613,992 alleles (0.0012%); highest among the groups gnomAD compares: African/African-American, 0.0053%; no homozygotes.

Submissions (2):

Ambry Genetics
Classification: Uncertain significance for Inborn genetic diseases. Last evaluated: 2025-10-21. Review status: criteria provided, single submitter. Criteria: Ambry Variant Classification Scheme 2023. Collection method: clinical testing. Allele origin: germline.

Labcorp Genetics (formerly Invitae), Labcorp
Classification: Uncertain significance. Last evaluated: 2022-06-13. Review status: criteria provided, single submitter. Criteria: Invitae Variant Classification Sherloc (09022015). Collection method: clinical testing. Allele origin: germline.
Comment: This sequence change replaces proline, which is neutral and non-polar, with leucine, which is neutral and non-polar, at codon 668 of the CNGA1 protein (p.Pro668Leu). In summary, the available evidence is currently insufficient to determine the role of this variant in disease. Therefore, it has been classified as a Variant of Uncertain Significance. Algorithms developed to predict the effect of missense changes on protein structure and function are either unavailable or do not agree on the potential impact of this missense change (SIFT: "Deleterious"; PolyPhen-2: "Possibly Damaging"; Align-GVGD: "Class C0"). ClinVar contains an entry for this variant (Variation ID: 841711). This variant has not been reported in the literature in individuals affected with CNGA1-related conditions. This variant is present in population databases (rs757837096, gnomAD 0.01%).